The following is an entry in ClinVar:

ClinVar aggregate classification (germline): Uncertain significance (1 of 4 stars; one submission).

Conditions:
Epileptic encephalopathy. Identifiers: MedGen C0543888, HP:0200134.

Submission:

Labcorp Genetics (formerly Invitae), Labcorp
Classification: Uncertain significance for Epileptic encephalopathy. Last evaluated: 2020-10-09. Review status: criteria provided, single submitter. Criteria: Invitae Variant Classification Sherloc (09022015). Collection method: clinical testing. Allele origin: germline.
Comment: This sequence change replaces threonine with asparagine at codon 211 of the FASN protein (p.Thr211Asn). The threonine residue is weakly conserved and there is a small physicochemical difference between threonine and asparagine. In summary, the available evidence is currently insufficient to determine the role of this variant in disease. Therefore, it has been classified as a Variant of Uncertain Significance. Algorithms developed to predict the effect of missense changes on protein structure and function (SIFT, PolyPhen-2, Align-GVGD) all suggest that this variant is likely to be tolerated, but these predictions have not been confirmed by published functional studies and their clinical significance is uncertain. This variant has not been reported in the literature in individuals with FASN-related conditions. This variant is not present in population databases (ExAC no frequency).

NM_004104.5(FASN):c.632C>A (p.Thr211Asn)

Gene: FASN (fatty acid synthase; minus strand). Cytogenetic location: 17q25.3.
Variant type: single nucleotide variant.
Coding change: c.632C>A on transcript NM_004104.5 (MANE Select); coding-DNA position 632, C replaced by A.
Protein change: p.Thr211Asn; replaces threonine 211 with asparagine.
Molecular consequence: missense variant.
Genome position (GRCh38, 1-based): chr17:82,093,242, G>T on the plus strand (C>A on the coding strand, the complement: FASN is on the minus strand). VCF-style: chr17-82093242-G-T. GRCh37 (hg19) VCF-style: chr17-80051118-G-T.
Other names: short protein forms T211N.
Identifiers: ClinVar variation 1017193 (VCV001017193.8), dbSNP rs2034245165, ClinGen allele CA401563498.